The following is an entry in ClinVar:

NM_006767.4(LZTR1):c.2164T>A (p.Ser722Thr)

Gene: LZTR1 (leucine zipper like post translational regulator 1; plus strand). Cytogenetic location: 22q11.21.
Variant type: single nucleotide variant.
Coding change: c.2164T>A on transcript NM_006767.4 (MANE Select); coding-DNA position 2164, T replaced by A.
Protein change: p.Ser722Thr; replaces serine 722 with threonine.
Molecular consequence: missense variant.
Genome position (GRCh38, 1-based): chr22:20,996,057, T>A. VCF-style: chr22-20996057-T-A. GRCh37 (hg19) VCF-style: chr22-21350346-T-A.
Other names: short protein forms S722T.
Identifiers: ClinVar variation 3541613 (VCV003541613.1).

ClinVar aggregate classification (germline): Uncertain significance (1 of 4 stars; one submission).

Conditions:
Hereditary cancer-predisposing syndrome. Also called: Hereditary Cancer Syndrome; Hereditary neoplastic syndrome; Tumor predisposition; Neoplastic Syndromes, Hereditary. Identifiers: Orphanet 140162, MedGen C0027672, MeSH D009386, MONDO:0015356.
Cardiovascular phenotype. Identifiers: MedGen CN230736.

Submission:

Ambry Genetics
Classification: Uncertain significance for Cardiovascular phenotype; Hereditary cancer-predisposing syndrome. Last evaluated: 2024-08-26. Review status: criteria provided, single submitter. Criteria: Ambry Variant Classification Scheme 2023. Collection method: clinical testing. Allele origin: germline.
Comment: The p.S722T variant (also known as c.2164T>A), located in coding exon 18 of the LZTR1 gene, results from a T to A substitution at nucleotide position 2164. The serine at codon 722 is replaced by threonine, an amino acid with similar properties. This amino acid position is conserved. In addition, the in silico prediction for this alteration is inconclusive. Based on the available evidence, the clinical significance of this variant remains unclear.